The following is an entry in ClinVar:

ClinVar aggregate classification (germline): Uncertain significance. Review status: criteria provided, multiple submitters, no conflicts (2 of 4 stars). 2 submissions from 2 submitters: Uncertain significance (2). Last evaluated 2025-11-27.

Conditions:
Noonan syndrome 7 (NS7). Also called: BRAF-Related Noonan Syndrome. Identifiers: Orphanet 648, MedGen C3150970, MONDO:0013379, OMIM 613706.

Submissions (2):

Dasa
Classification: Uncertain significance. Last evaluated: 2025-11-27. Review status: criteria provided, single submitter. Criteria: DASA Assertion Criteria. Collection method: clinical testing. Allele origin: germline.
Comment: NM_004333.6(BRAF):c.66C>G (p.Asp22Glu) is a missense variant that results in the substitution of aspartic acid with glutamic acid. This variant is rare in population databases. The currently available literature and clinical evidence are not sufficient to establish a definitive association between this variant and the reported condition. Therefore, this variant is classified as a variant of uncertain significance.

St. Jude Molecular Pathology, St. Jude Children's Research Hospital
Classification: Uncertain significance for Noonan syndrome 7. Last evaluated: 2022-09-21. Review status: criteria provided, single submitter. Criteria: St. Jude Assertion Criteria 2020. Collection method: clinical testing. Allele origin: germline.
Comment: The BRAF c.66C>G (p.Asp22Glu) missense change is absent in gnomAD v2.1.1. The in silico tool REVEL predicts a benign effect on protein function, but to our knowledge this prediction has not been confirmed by functional studies. To our knowledge, this variant has not been reported in individuals with RASopathy conditions. In summary, the evidence currently available is insufficient to determine the clinical significance of this variant. It has therefore been classified as of uncertain significance.

NM_004333.6(BRAF):c.66C>G (p.Asp22Glu)

Gene: BRAF (B-Raf proto-oncogene, serine/threonine kinase; minus strand). Cytogenetic location: 7q34.
Variant type: single nucleotide variant.
Coding change: c.66C>G on transcript NM_004333.6 (MANE Select); coding-DNA position 66, C replaced by G.
Protein change: p.Asp22Glu; replaces aspartic acid 22 with glutamic acid.
Molecular consequence: missense variant.
Genome position (GRCh38, 1-based): chr7:140,924,638, G>C on the plus strand (C>G on the coding strand, the complement: BRAF is on the minus strand). VCF-style: chr7-140924638-G-C. GRCh37 (hg19) VCF-style: chr7-140624438-G-C.
Other names: c.66C>G, p.Asp22Glu (NM_001354609.2, NM_001374244.1, NM_001374258.1 and 7 more transcripts); short protein forms D22E.
Identifiers: ClinVar variation 1710942 (VCV001710942.3), dbSNP rs543953468, ClinGen allele CA369590165.